The following is an entry in ClinVar:

ClinVar aggregate classification (germline): Uncertain significance (1 of 4 stars; one submission).

Allele frequency attached by ClinVar (database versions not stated): gnomAD 0.00001.
gnomAD v4.1: 1 of 1,607,866 alleles (0.000062%); highest among the groups gnomAD compares: Non-Finnish European, 0.000085%; no homozygotes.

Submission:

GeneDx
Classification: Uncertain significance. Last evaluated: 2017-01-12. Review status: criteria provided, single submitter. Criteria: GeneDx Variant Classification (06012015). Collection method: clinical testing. Allele origin: germline. Affected: yes.
Comment: A variant of uncertain significance has been identified in the PRKAG2 gene. The R31L variant has not been published as a pathogenic variant, nor has it been reported as a benign variant to our knowledge. This variant was not observed in approximately 6,500 individuals of European and African American ancestry in the NHLBI Exome Sequencing Project, indicating it is not a common benign variant in these populations. The R31L variant is a non-conservative amino acid substitution, which is likely to impact secondary protein structure as these residues differ in polarity, charge, size and/or other properties. This substitution occurs at a position that is conserved in mammals. However, in silico analysis is inconsistent in its predictions as to whether or not the variant is damaging to the protein structure/function.

NM_016203.4(PRKAG2):c.92G>T (p.Arg31Leu)

Gene: PRKAG2 (protein kinase AMP-activated non-catalytic subunit gamma 2; minus strand). Cytogenetic location: 7q36.1.
Variant type: single nucleotide variant.
Coding change: c.92G>T on transcript NM_016203.4 (MANE Select); coding-DNA position 92, G replaced by T.
Protein change: p.Arg31Leu; replaces arginine 31 with leucine.
Molecular consequence: missense variant.
Genome position (GRCh38, 1-based): chr7:151,876,529, C>A on the plus strand (G>T on the coding strand, the complement: PRKAG2 is on the minus strand). VCF-style: chr7-151876529-C-A. GRCh37 (hg19) VCF-style: chr7-151573614-C-A.
Other names: short protein forms R31L.
Identifiers: ClinVar variation 392681 (VCV000392681.2), dbSNP rs1057524591, ClinGen allele CA16605765.